The following is an entry in ClinVar:

ClinVar aggregate classification (germline): Uncertain significance (1 of 4 stars; one submission).

Conditions:
Emery-Dreifuss muscular dystrophy (EDMD). Also called: Scapuloperoneal syndrome, X-linked (formerly); Humeroperoneal neuromuscular disease, (formerly). Identifiers: Orphanet 261, MedGen C0410189, MONDO:0016830.

Submission:

Labcorp Genetics (formerly Invitae), Labcorp
Classification: Uncertain significance for Emery-Dreifuss muscular dystrophy. Last evaluated: 2021-11-18. Review status: criteria provided, single submitter. Criteria: Invitae Variant Classification Sherloc (09022015). Collection method: clinical testing. Allele origin: germline.
Comment: In summary, the available evidence is currently insufficient to determine the role of this variant in disease. Therefore, it has been classified as a Variant of Uncertain Significance. Algorithms developed to predict the effect of missense changes on protein structure and function are either unavailable or do not agree on the potential impact of this missense change (SIFT: "Deleterious"; PolyPhen-2: "Possibly Damaging"; Align-GVGD: "Class C0"). This variant has not been reported in the literature in individuals affected with SUN1-related conditions. This variant is not present in population databases (gnomAD no frequency). This sequence change replaces glycine, which is neutral and non-polar, with glutamic acid, which is acidic and polar, at codon 264 of the SUN1 protein (p.Gly264Glu).

NM_001130965.3(SUN1):c.791G>A (p.Gly264Glu)

Gene: SUN1 (Sad1 and UNC84 domain containing 1; plus strand). Cytogenetic location: 7p22.3.
Variant type: single nucleotide variant.
Coding change: c.791G>A on transcript NM_001130965.3 (MANE Select); coding-DNA position 791, G replaced by A.
Protein change: p.Gly264Glu; replaces glycine 264 with glutamic acid.
Molecular consequence: missense variant. On other transcripts: synonymous variant (1), non-coding transcript variant (3).
Genome position (GRCh38, 1-based): chr7:851,983, G>A. VCF-style: chr7-851983-G-A. GRCh37 (hg19) VCF-style: chr7-891620-G-A.
Other names: c.485G>A, p.Gly162Glu (NM_001171944.2); c.791G>A, p.Gly264Glu (NM_001367633.1, NM_001367634.1, NM_001367665.1 and 3 more transcripts); c.440G>A, p.Gly147Glu (NM_001367635.1); c.1034G>A, p.Gly345Glu (NM_001367636.1, NM_001367666.1, NM_001367691.1 and 1 more transcripts); c.902G>A, p.Gly301Glu (NM_001367638.1, NM_001367664.1, NM_001367685.1 and 1 more transcripts); c.335G>A, p.Gly112Glu (NM_001367639.1); c.974G>A, p.Gly325Glu (NM_001367640.1, NM_001367675.1, NM_001367676.1); c.1073G>A, p.Gly358Glu (NM_001367641.1, NM_001367682.1, NM_001367698.1); and 24 more; short protein forms G147E, G264E, G317E, G395E, G402E, G209E, G218E, G242E.
Identifiers: ClinVar variation 1448713 (VCV001448713.6), dbSNP rs2128387566, ClinGen allele CA366529163.